The following is an entry in ClinVar:

NM_182643.3(DLC1):c.4582A>T (p.Arg1528Trp)

Gene: DLC1 (DLC1 Rho GTPase activating protein; minus strand). Cytogenetic location: 8p22.
Variant type: single nucleotide variant.
Coding change: c.4582A>T on transcript NM_182643.3 (MANE Select); coding-DNA position 4582, A replaced by T.
Protein change: p.Arg1528Trp; replaces arginine 1528 with tryptophan.
Molecular consequence: missense variant.
Genome position (GRCh38, 1-based): chr8:13,085,816, T>A on the plus strand (A>T on the coding strand, the complement: DLC1 is on the minus strand). VCF-style: chr8-13085816-T-A. GRCh37 (hg19) VCF-style: chr8-12943325-T-A.
Other names: c.3049A>T, p.Arg1017Trp (NM_001164271.2, NM_001348082.2, NM_001348083.1 and 1 more transcripts); c.3373A>T, p.Arg1125Trp (NM_001316668.2); c.4582A>T, p.Arg1528Trp (NM_001348081.2); c.3271A>T, p.Arg1091Trp (NM_006094.5); short protein forms R1528W, R1125W, R1091W, R1017W.
Identifiers: ClinVar variation 373548 (VCV000373548.7), dbSNP rs759626631, ClinGen allele CA4637868.

ClinVar aggregate classification (germline): Uncertain significance. Review status: criteria provided, multiple submitters, no conflicts (2 of 4 stars). 3 submissions from 3 submitters: Uncertain significance (3). Last evaluated 2024-03-07.

Conditions:
Colorectal cancer. Also called: Colorectal cancer, somatic; Malignant Colorectal Neoplasm. Identifiers: MedGen C0346629, MONDO:0005575, OMIM 114500.

Allele frequency attached by ClinVar (database versions not stated): ExAC 0.00001; gnomAD 0.00001; gnomAD exomes 0.00001 and 0.00006; TOPMed 0.00001.
gnomAD v4.1: 81 of 1,614,048 alleles (0.005%); highest among the groups gnomAD compares: Non-Finnish European, 0.0068%; no homozygotes.

Submissions (3):

Fulgent Genetics
Classification: Uncertain significance for Colorectal cancer. Last evaluated: 2024-03-07. Review status: criteria provided, single submitter. Criteria: ACMG Guidelines, 2015. Collection method: clinical testing. Allele origin: germline.

Labcorp Genetics (formerly Invitae), Labcorp
Classification: Uncertain significance. Last evaluated: 2022-08-06. Review status: criteria provided, single submitter. Criteria: Invitae Variant Classification Sherloc (09022015). Collection method: clinical testing. Allele origin: germline.
Comment: In summary, the available evidence is currently insufficient to determine the role of this variant in disease. Therefore, it has been classified as a Variant of Uncertain Significance. Algorithms developed to predict the effect of missense changes on protein structure and function are either unavailable or do not agree on the potential impact of this missense change (SIFT: "Deleterious"; PolyPhen-2: "Probably Damaging"; Align-GVGD: "Class C0"). ClinVar contains an entry for this variant (Variation ID: 373548). This variant has not been reported in the literature in individuals affected with DLC1-related conditions. This variant is present in population databases (rs759626631, gnomAD 0.002%). This sequence change replaces arginine, which is basic and polar, with tryptophan, which is neutral and slightly polar, at codon 1528 of the DLC1 protein (p.Arg1528Trp).

GeneDx
Classification: Uncertain significance. Last evaluated: 2016-12-12. Review status: criteria provided, single submitter. Criteria: GeneDx Variant Classification (06012015). Collection method: clinical testing. Allele origin: germline. Affected: yes.
Comment: The R1528W variant in the DLC1 gene has not been reported previously as a pathogenic variant, nor as a benign variant, to our knowledge. The R1528W variant was not observed in approximately 6500 individuals of European and African American ancestry in the NHLBI Exome Sequencing Project, indicating it is not a common benign variant in these populations. The R1528W variant is a non-conservative amino acid substitution, which is likely to impact secondary protein structure as these residues differ in polarity, charge, size and/or other properties. While this substitution occurs at a position that is conserved in mammals, in silico analysis is inconsistent in its predictions as to whether or not the variant is damaging to the protein structure/function. We interpret R1528W as a variant of uncertain significance, which may be related to the congenital heart defects reported in this individual.